The following is an entry in ClinVar:

NC_000001.11:g.(?_2019404)_(2030302_?)del

Gene: GABRD (gamma-aminobutyric acid type A receptor subunit delta; plus strand). Cytogenetic location: 1p36.33.
Variant type: Deletion.
Identifiers: ClinVar variation 832884 (VCV000832884.1).

ClinVar aggregate classification (germline): Uncertain significance (1 of 4 stars; one submission).

Conditions:
Idiopathic generalized epilepsy. Also called: EIG; Generalised epilepsy. Identifiers: MedGen C0270850, MONDO:0005579, OMIM 600669.

Submission:

Labcorp Genetics (formerly Invitae), Labcorp
Classification: Uncertain significance for Idiopathic generalized epilepsy. Last evaluated: 2019-07-05. Review status: criteria provided, single submitter. Criteria: Invitae Variant Classification Sherloc (09022015). Collection method: clinical testing. Allele origin: germline.
Comment: A gross deletion of the genomic region encompassing the full coding sequence of the GABRD gene has been identified. The boundaries of this event are unknown as the deletion extends beyond the assayed region for this gene and therefore may encompass additional genes. This variant has not been reported in the literature in individuals with GABRD-related conditions. The current clinical and genetic evidence is not sufficient to establish whether loss-of-function variants in GABRD cause disease. In summary, the available evidence is currently insufficient to determine the role of this variant in disease. Therefore, it has been classified as a Variant of Uncertain Significance.